The following is an entry in ClinVar:

NM_000081.4(LYST):c.9694C>T (p.His3232Tyr)

Gene: LYST (lysosomal trafficking regulator; minus strand). Cytogenetic location: 1q42.3.
Variant type: single nucleotide variant.
Coding change: c.9694C>T on transcript NM_000081.4 (MANE Select); coding-DNA position 9694, C replaced by T.
Protein change: p.His3232Tyr; replaces histidine 3232 with tyrosine.
Molecular consequence: missense variant.
Genome position (GRCh38, 1-based): chr1:235,715,291, G>A on the plus strand (C>T on the coding strand, the complement: LYST is on the minus strand). VCF-style: chr1-235715291-G-A. GRCh37 (hg19) VCF-style: chr1-235878591-G-A.
Other names: c.9694C>T, p.His3232Tyr (NM_001301365.1); short protein forms H3232Y.
Identifiers: ClinVar variation 1963510 (VCV001963510.5), dbSNP rs1662736597, ClinGen allele CA344939464.

ClinVar aggregate classification (germline): Uncertain significance (1 of 4 stars; one submission).

Conditions:
Chédiak-Higashi syndrome (CHS). Also called: Chediak-Higashi Syndrome. Identifiers: Orphanet 167, MedGen C0007965, MONDO:0008963, OMIM 214500.

Allele frequency attached by ClinVar (database versions not stated): TOPMed below 0.00001; gnomAD 0.00001.
gnomAD v4.1: 1 of 1,613,328 alleles (0.000062%); highest among the groups gnomAD compares: African/African-American, 0.0013%; no homozygotes.

Submission:

Labcorp Genetics (formerly Invitae), Labcorp
Classification: Uncertain significance for Chédiak-Higashi syndrome. Last evaluated: 2022-06-15. Review status: criteria provided, single submitter. Criteria: Invitae Variant Classification Sherloc (09022015). Collection method: clinical testing. Allele origin: germline.
Comment: This sequence change replaces histidine, which is basic and polar, with tyrosine, which is neutral and polar, at codon 3232 of the LYST protein (p.His3232Tyr). This variant is not present in population databases (gnomAD no frequency). In summary, the available evidence is currently insufficient to determine the role of this variant in disease. Therefore, it has been classified as a Variant of Uncertain Significance. Algorithms developed to predict the effect of missense changes on protein structure and function are either unavailable or do not agree on the potential impact of this missense change (SIFT: "Deleterious"; PolyPhen-2: "Probably Damaging"; Align-GVGD: "Class C0"). This variant has not been reported in the literature in individuals affected with LYST-related conditions.